The following is an entry in ClinVar:

NM_002528.7(NTHL1):c.736A>T (p.Lys246Ter)

Gene: NTHL1 (nth like DNA glycosylase 1; minus strand). Cytogenetic location: 16p13.3.
Variant type: single nucleotide variant.
Coding change: c.736A>T on transcript NM_002528.7 (MANE Select); coding-DNA position 736, A replaced by T.
Protein change: p.Lys246Ter; replaces lysine 246 with a stop codon.
Molecular consequence: nonsense.
Genome position (GRCh38, 1-based): chr16:2,040,188, T>A on the plus strand (A>T on the coding strand, the complement: NTHL1 is on the minus strand). VCF-style: chr16-2040188-T-A. GRCh37 (hg19) VCF-style: chr16-2090189-T-A.
Other names: c.565A>T, p.Lys189Ter (NM_001318193.2); c.406A>T, p.Lys136Ter (NM_001318194.2); c.760A>T (NM_002528.5); short protein forms K136*, K189*, K246*.
Identifiers: ClinVar variation 1076395 (VCV001076395.8), dbSNP rs879181418, ClinGen allele CA394289027.

ClinVar aggregate classification (germline): Pathogenic. Review status: criteria provided, multiple submitters, no conflicts (2 of 4 stars). 3 submissions from 3 submitters: Pathogenic (3). Last evaluated 2025-04-22.

Conditions:
Familial adenomatous polyposis 3. Also called: NTHL1-Related Adenomatous Polyposis and Colorectal Cancer; NTHL1 Tumor Syndrome; NTHL1-associated polyposis; NTHL1-related attenuated familial adenomatous polyposis. Identifiers: Orphanet 220460, Orphanet 454840, MedGen C4225157, MONDO:0014630, OMIM 616415.
Hereditary cancer-predisposing syndrome. Also called: Neoplastic Syndromes, Hereditary; Tumor predisposition; Hereditary Cancer Syndrome; Hereditary neoplastic syndrome. Identifiers: Orphanet 140162, MedGen C0027672, MeSH D009386, MONDO:0015356.

Submissions (3):

Ambry Genetics
Classification: Pathogenic for Hereditary cancer-predisposing syndrome. Last evaluated: 2025-04-22. Review status: criteria provided, single submitter. Criteria: Ambry Variant Classification Scheme 2023. Collection method: clinical testing. Allele origin: germline.
Comment: The p.K254* pathogenic mutation (also known as c.760A>T), located in coding exon 5 of the NTHL1 gene, results from an A to T substitution at nucleotide position 760. This changes the amino acid from a lysine to a stop codon within coding exon 5. This alteration occurs at the 3' terminus of theNTHL1 gene, is not expected to trigger nonsense-mediated mRNA decay, and impacts the last 19% of the protein. However, premature stop codons are typically deleterious in nature and a significant portion of the protein is affected and the impacted region is critical for protein function (Ambry internal data). This variant is considered to be rare based on population cohorts in the Genome Aggregation Database (gnomAD). Based on the supporting evidence, this variant is interpreted as a disease-causing mutation.

Labcorp Genetics (formerly Invitae), Labcorp
Classification: Pathogenic. Last evaluated: 2023-03-16. Review status: criteria provided, single submitter. Criteria: Invitae Variant Classification Sherloc (09022015). Collection method: clinical testing. Allele origin: germline.
Comment: For these reasons, this variant has been classified as Pathogenic. Algorithms developed to predict the effect of sequence changes on RNA splicing suggest that this variant may disrupt the consensus splice site. ClinVar contains an entry for this variant (Variation ID: 1076395). This variant has not been reported in the literature in individuals affected with NTHL1-related conditions. This variant is not present in population databases (gnomAD no frequency). This sequence change creates a premature translational stop signal (p.Lys254*) in the NTHL1 gene. It is expected to result in an absent or disrupted protein product. Loss-of-function variants in NTHL1 are known to be pathogenic (PMID: 25938944, 26559593).

Myriad Genetics, Inc.
Classification: Pathogenic for Familial adenomatous polyposis 3. Last evaluated: 2023-03-01. Review status: criteria provided, single submitter. Criteria: Myriad Autosomal Dominant, Autosomal Recessive and X-Linked Classification Criteria (2023). Collection method: clinical testing. Allele origin: unknown.
Comment: This variant is considered pathogenic. This variant creates a termination codon and is predicted to result in premature protein truncation.

Literature cited by the submitters: PubMed 25938944 (cited by Labcorp Genetics (formerly Invitae), Labcorp); PubMed 26559593 (cited by Labcorp Genetics (formerly Invitae), Labcorp).